The following is an entry in ClinVar:

ClinVar aggregate classification (germline): Conflicting classifications of pathogenicity. Review status: criteria provided, conflicting classifications (1 of 4 stars). 4 submissions from 4 submitters: Uncertain significance (3); Likely benign (1). Last evaluated 2025-09-16.

Conditions:
Arrhythmogenic right ventricular dysplasia 8 (ARVD8). Also called: Arrhythmogenic Right Ventricular Dysplasia/Cardiomyopathy 8; ARRHYTHMOGENIC RIGHT VENTRICULAR DYSPLASIA, FAMILIAL, 8; ARRHYTHMOGENIC RIGHT VENTRICULAR CARDIOMYOPATHY 8. Identifiers: MedGen C1843896, MONDO:0011831, OMIM 607450.
Arrhythmogenic cardiomyopathy with wooly hair and keratoderma. Also called: Arrhythmogenic cardiomyopathy with woolly hair and keratoderma; Carvajal syndrome; PALMOPLANTAR KERATODERMA WITH LEFT VENTRICULAR CARDIOMYOPATHY AND WOOLLY HAIR; Dilated cardiomyopathy with woolly hair and keratoderma. Identifiers: Orphanet 65282, MedGen C1854063, MONDO:0011581, OMIM 605676.
Cardiovascular phenotype. Identifiers: MedGen CN230736.
Cardiomyopathy (CMYO). Also called: Cardiomyopathies. Identifiers: Orphanet 167848, MedGen C0878544, MONDO:0004994, HP:0001638. Inheritance: Various modes of inheritance.

Allele frequency attached by ClinVar (database versions not stated): gnomAD exomes below 0.00001; TOPMed 0.00002; gnomAD 0.00003.
gnomAD v4.1: 6 of 1,613,984 alleles (0.00037%); highest among the groups gnomAD compares: African/African-American, 0.0067%; no homozygotes.

Submissions (4):

Labcorp Genetics (formerly Invitae), Labcorp
Classification: Likely benign for Arrhythmogenic cardiomyopathy with wooly hair and keratoderma; Arrhythmogenic right ventricular dysplasia 8. Last evaluated: 2025-09-16. Review status: criteria provided, single submitter. Criteria: Invitae Variant Classification Sherloc (09022015). Collection method: clinical testing. Allele origin: germline.

Color Diagnostics, LLC DBA Color Health
Classification: Uncertain significance for Cardiomyopathy. Last evaluated: 2025-07-17. Review status: criteria provided, single submitter. Criteria: ACMG Guidelines, 2015. Collection method: clinical testing. Allele origin: germline.
Comment: This missense variant replaces valine with methionine at codon 435 of the DSP protein. Computational prediction is inconclusive regarding the impact of this variant on protein structure and function. To our knowledge, functional studies have not been reported for this variant. This variant has not been reported in individuals affected with DSP-related disorders in the literature. This variant has been identified in 2/251318 chromosomes in the general population by the Genome Aggregation Database (gnomAD). The available evidence is insufficient to determine the role of this variant in disease conclusively. Therefore, this variant is classified as a Variant of Uncertain Significance.

Ambry Genetics
Classification: Uncertain significance for Cardiovascular phenotype. Last evaluated: 2024-03-06. Review status: criteria provided, single submitter. Criteria: Ambry Variant Classification Scheme 2023. Collection method: clinical testing. Allele origin: germline.
Comment: The p.V435M variant (also known as c.1303G>A), located in coding exon 11 of the DSP gene, results from a G to A substitution at nucleotide position 1303. The valine at codon 435 is replaced by methionine, an amino acid with highly similar properties. This amino acid position is conserved. In addition, this alteration is predicted to be deleterious by in silico analysis. Based on the available evidence, the clinical significance of this alteration remains unclear.

All of Us Research Program, National Institutes of Health
Classification: Uncertain significance for Arrhythmogenic cardiomyopathy with wooly hair and keratoderma. Last evaluated: 2023-11-30. Review status: criteria provided, single submitter. Criteria: ACMG Guidelines, 2015. Collection method: clinical testing. Allele origin: germline. Inheritance: Autosomal dominant inheritance. Observed: 1 variant allele, 1 heterozygote.
Comment: This study involves interpretation of variants in research participants for the purpose of population health screening. Participant phenotype was not available at the time of variant classification. Additional details can be found in publication PMID: 35346344, PMCID: PMC8962531

NM_004415.4(DSP):c.1303G>A (p.Val435Met)

Gene: DSP (desmoplakin; plus strand). Cytogenetic location: 6p24.3.
Variant type: single nucleotide variant.
Coding change: c.1303G>A on transcript NM_004415.4 (MANE Select); coding-DNA position 1303, G replaced by A.
Protein change: p.Val435Met; replaces valine 435 with methionine.
Molecular consequence: missense variant.
Genome position (GRCh38, 1-based): chr6:7,568,473, G>A. VCF-style: chr6-7568473-G-A. GRCh37 (hg19) VCF-style: chr6-7568706-G-A.
Other names: c.1303G>A, p.Val435Met (NM_001008844.3, NM_001319034.2, NM_001406591.1); short protein forms V435M.
Identifiers: ClinVar variation 2180381 (VCV002180381.7), dbSNP rs1295277764, ClinGen allele CA362676358.